The following is an entry in ClinVar:

NM_004525.3(LRP2):c.13394G>A (p.Ser4465Asn)

Gene: LRP2 (LDL receptor related protein 2; minus strand). Cytogenetic location: 2q31.1.
Variant type: single nucleotide variant.
Coding change: c.13394G>A on transcript NM_004525.3 (MANE Select); coding-DNA position 13394, G replaced by A.
Protein change: p.Ser4465Asn; replaces serine 4465 with asparagine.
Molecular consequence: missense variant.
Genome position (GRCh38, 1-based): chr2:169,138,701, C>T on the plus strand (G>A on the coding strand, the complement: LRP2 is on the minus strand). VCF-style: chr2-169138701-C-T. GRCh37 (hg19) VCF-style: chr2-169995211-C-T.
Other names: short protein forms S4465N.
Identifiers: ClinVar variation 3253340 (VCV003253340.1), dbSNP rs912280629.

ClinVar aggregate classification (germline): Uncertain significance (1 of 4 stars; one submission).

gnomAD v4.1: 5 of 1,613,918 alleles (0.00031%); highest among the groups gnomAD compares: Non-Finnish European, 0.00042%; no homozygotes.

Submission:

GeneDx
Classification: Uncertain significance. Last evaluated: 2024-06-11. Review status: criteria provided, single submitter. Criteria: GeneDx Variant Classification Process June 2021. Collection method: clinical testing. Allele origin: germline. Affected: yes.
Comment: Not observed at significant frequency in large population cohorts (gnomAD); In silico analysis indicates that this missense variant does not alter protein structure/function; Has not been previously published as pathogenic or benign to our knowledge; This variant is associated with the following publications: (PMID: 27535533)